The following is an entry in ClinVar:

ClinVar aggregate classification (germline): Likely benign. Review status: criteria provided, multiple submitters, no conflicts (2 of 4 stars). 3 submissions from 3 submitters: Likely benign (3). Last evaluated 2025-12-15.

Conditions:
Inborn genetic diseases. Identifiers: MedGen C0950123, MeSH D030342.
Hereditary spastic paraplegia 11. Also called: Spastic Paraplegia 11; Spastic paraplegia, mental retardation and thin corpus callosum; Nakamura Osame syndrome; Autosomal recessive hereditary spastic paraplegia, mental impairment, and thin corpus callosum; SPASTIC PARAPLEGIA, AUTOSOMAL RECESSIVE, COMPLICATED, WITH THIN CORPUS CALLOSUM; SPASTIC PARAPLEGIA, AUTOSOMAL RECESSIVE, WITH MENTAL IMPAIRMENT AND THIN CORPUS CALLOSUM. Identifiers: Orphanet 2822, MedGen C1858479, MONDO:0011445, OMIM 604360.

Allele frequency attached by ClinVar (database versions not stated): gnomAD exomes below 0.00001.
gnomAD v4.1: 1 of 1,614,172 alleles (0.000062%); highest among the groups gnomAD compares: Non-Finnish European, 0.000085%; no homozygotes.

Submissions (3):

Labcorp Genetics (formerly Invitae), Labcorp
Classification: Likely benign for Hereditary spastic paraplegia 11. Last evaluated: 2025-12-15. Review status: criteria provided, single submitter. Criteria: Invitae Variant Classification Sherloc (09022015). Collection method: clinical testing. Allele origin: germline.

Ambry Genetics
Classification: Likely benign for Inborn genetic diseases. Last evaluated: 2019-07-11. Review status: criteria provided, single submitter. Criteria: Ambry Variant Classification Scheme 2023. Collection method: clinical testing. Allele origin: germline.

GeneDx
Classification: Likely benign. Last evaluated: 2017-03-13. Review status: criteria provided, single submitter. Criteria: GeneDx Variant Classification (06012015). Collection method: clinical testing. Allele origin: germline. Affected: yes.
Comment: This variant is considered likely benign or benign based on one or more of the following criteria: it is a conservative change, it occurs at a poorly conserved position in the protein, it is predicted to be benign by multiple in silico algorithms, and/or has population frequency not consistent with disease.

NM_025137.4(SPG11):c.801C>T (p.Asp267=)

Gene: SPG11 (SPG11 vesicle trafficking associated, spatacsin; minus strand). Cytogenetic location: 15q21.1.
Variant type: single nucleotide variant.
Coding change: c.801C>T on transcript NM_025137.4 (MANE Select); coding-DNA position 801, C replaced by T.
Protein change: p.Asp267=; no amino-acid change (aspartic acid 267 retained).
Molecular consequence: synonymous variant.
Genome position (GRCh38, 1-based): chr15:44,657,163, G>A on the plus strand (C>T on the coding strand, the complement: SPG11 is on the minus strand). VCF-style: chr15-44657163-G-A. GRCh37 (hg19) VCF-style: chr15-44949361-G-A.
Other names: c.801C>T, p.Asp267= (NM_001160227.2).
Identifiers: ClinVar variation 507980 (VCV000507980.7), dbSNP rs1555382889, ClinGen allele CA490208162.
Genomic context (GRCh38, chr15:44,657,163, plus strand): 5'-CAAATTTAAGTTAAGAGCAACTGCGGAGTTGGAGGAGCTGACAATCACTGCAACATCGAG[G>A]TCTTGAGAAACTTTCAGTGAAGTAAATGAAGAAATCTTGGCTGGCTCCTGTTGCTGCTCA-3'
Protein context (NP_079413.3, residues 257-277): SSFTSLKVSQ[Asp267=]LDVAVIVSSS